The following is an entry in ClinVar:

ClinVar aggregate classification (germline): Uncertain significance. Review status: criteria provided, multiple submitters, no conflicts (2 of 4 stars). 2 submissions from 2 submitters: Uncertain significance (2). Last evaluated 2025-03-23.

Allele frequency attached by ClinVar (database versions not stated): ExAC 0.00006; gnomAD exomes 0.00008; TOPMed 0.00011; gnomAD 0.00007.
gnomAD v4.1: 126 of 1,597,608 alleles (0.0079%); highest among the groups gnomAD compares: Admixed American, 0.017%; no homozygotes.

Submissions (2):

Ambry Genetics
Classification: Uncertain significance. Last evaluated: 2025-03-23. Review status: criteria provided, single submitter. Criteria: Ambry Variant Classification Scheme 2023. Collection method: clinical testing. Allele origin: germline.

Labcorp Genetics (formerly Invitae), Labcorp
Classification: Uncertain significance. Last evaluated: 2022-08-21. Review status: criteria provided, single submitter. Criteria: Invitae Variant Classification Sherloc (09022015). Collection method: clinical testing. Allele origin: germline.
Comment: This sequence change replaces isoleucine, which is neutral and non-polar, with valine, which is neutral and non-polar, at codon 18 of the IARS protein (p.Ile18Val). This variant is present in population databases (rs761096790, gnomAD 0.02%). This variant has not been reported in the literature in individuals affected with IARS-related conditions. Algorithms developed to predict the effect of missense changes on protein structure and function (SIFT, PolyPhen-2, Align-GVGD) all suggest that this variant is likely to be tolerated. In summary, the available evidence is currently insufficient to determine the role of this variant in disease. Therefore, it has been classified as a Variant of Uncertain Significance.

NM_002161.6(IARS1):c.52A>G (p.Ile18Val)

Gene: IARS1 (isoleucyl-tRNA synthetase 1; minus strand). Cytogenetic location: 9q22.31.
Variant type: single nucleotide variant.
Coding change: c.52A>G on transcript NM_002161.6 (MANE Select); coding-DNA position 52, A replaced by G.
Protein change: p.Ile18Val; replaces isoleucine 18 with valine.
Molecular consequence: missense variant. On other transcripts: non-coding transcript variant (1).
Genome position (GRCh38, 1-based): chr9:92,289,368, T>C on the plus strand (A>G on the coding strand, the complement: IARS1 is on the minus strand). VCF-style: chr9-92289368-T-C. GRCh37 (hg19) VCF-style: chr9-95051650-T-C.
Other names: c.52A>G, p.Ile18Val (NM_001374299.1, NM_001374300.1, NM_001374301.1 and 17 more transcripts); c.52A>G (NM_013417.2); short protein forms I18V.
Identifiers: ClinVar variation 2052613 (VCV002052613.2), dbSNP rs761096790, ClinGen allele CA5123084.